The following is an entry in ClinVar:

ClinVar aggregate classification (germline): Uncertain significance (1 of 4 stars; one submission).

Conditions:
Leukocyte adhesion deficiency 1 (LAD1). Also called: LAD 1; Lymphocyte function-associated antigen 1 immunodeficiency; LFA 1 immunodeficiency; LEUKOCYTE ADHESION DEFICIENCY, TYPE I. Identifiers: Orphanet 2968, Orphanet 99842, MedGen C0398738, MONDO:0007293, OMIM 116920.

Allele frequency attached by ClinVar (database versions not stated): TOPMed 0.00014; 1000 Genomes Project 30x 0.00031; ESP Exome Variant Server 0.00031; 1000 Genomes Project 0.00040.
gnomAD v4.1: 49 of 1,610,238 alleles (0.003%); highest among the groups gnomAD compares: African/African-American, 0.047%; no homozygotes.

Submission:

Labcorp Genetics (formerly Invitae), Labcorp
Classification: Uncertain significance for Leukocyte adhesion deficiency 1. Last evaluated: 2025-12-30. Review status: criteria provided, single submitter. Criteria: Invitae Variant Classification Sherloc (09022015). Collection method: clinical testing. Allele origin: germline.
Comment: This sequence change replaces alanine, which is neutral and non-polar, with serine, which is neutral and polar, at codon 645 of the ITGB2 protein (p.Ala645Ser). This variant is present in population databases (rs142112499, gnomAD 0.05%). This variant has not been reported in the literature in individuals affected with ITGB2-related conditions. ClinVar contains an entry for this variant (Variation ID: 852808). Invitae Evidence Modeling of protein sequence and biophysical properties (such as structural, functional, and spatial information, amino acid conservation, physicochemical variation, residue mobility, and thermodynamic stability) has been performed for this missense variant. However, the output from this modeling did not meet the statistical confidence thresholds required to predict the impact of this variant on ITGB2 protein function. In summary, the available evidence is currently insufficient to determine the role of this variant in disease. Therefore, it has been classified as a Variant of Uncertain Significance.

NM_000211.5(ITGB2):c.1933G>T (p.Ala645Ser)

Gene: ITGB2 (integrin subunit beta 2; minus strand). Cytogenetic location: 21q22.3.
Variant type: single nucleotide variant.
Coding change: c.1933G>T on transcript NM_000211.5 (MANE Select); coding-DNA position 1933, G replaced by T.
Protein change: p.Ala645Ser; replaces alanine 645 with serine.
Molecular consequence: missense variant.
Genome position (GRCh38, 1-based): chr21:44,888,840, C>A on the plus strand (G>T on the coding strand, the complement: ITGB2 is on the minus strand). VCF-style: chr21-44888840-C-A. GRCh37 (hg19) VCF-style: chr21-46308755-C-A.
Other names: c.1933G>T, p.Ala645Ser (NM_001127491.3); c.1726G>T, p.Ala576Ser (NM_001303238.2); short protein forms A576S, A645S.
Identifiers: ClinVar variation 852808 (VCV000852808.6), dbSNP rs142112499, ClinGen allele CA10062633.